The following is an entry in ClinVar:

NM_000531.6(OTC):c.188T>C (p.Leu63Pro)

Gene: OTC (ornithine transcarbamylase; plus strand). Cytogenetic location: Xp11.4.
Variant type: single nucleotide variant.
Coding change: c.188T>C on transcript NM_000531.6 (MANE Select); coding-DNA position 188, T replaced by C.
Protein change: p.Leu63Pro; replaces leucine 63 with proline.
Molecular consequence: missense variant.
Genome position (GRCh38, 1-based): chrX:38,367,401, T>C. VCF-style: chrX-38367401-T-C. GRCh37 (hg19) VCF-style: chrX-38226654-T-C.
Other names: short protein forms L63P.
Identifiers: ClinVar variation 97129 (VCV000097129.8), dbSNP rs72554324, ClinGen allele CA224493.

ClinVar aggregate classification (germline): Uncertain significance. Review status: criteria provided, single submitter (1 of 4 stars). 2 submissions from 2 submitters: Uncertain significance (1). 1 of the submissions does not count toward it. Last evaluated 2021-03-10.

Conditions:
Ornithine carbamoyltransferase deficiency (OTCD). Also called: ORNITHINE TRANSCARBAMYLASE DEFICIENCY, HYPERAMMONEMIA DUE TO; ORNITHINE TRANSCARBAMYLASE DEFICIENCY; OTC DEFICIENCY; Ornithine Carbamoyltransferase Deficiency Disease. Identifiers: Orphanet 664, MedGen C0268542, MONDO:0010703, OMIM 311250.

Submissions (2):

Labcorp Genetics (formerly Invitae), Labcorp
Classification: Uncertain significance for Ornithine carbamoyltransferase deficiency. Last evaluated: 2021-03-10. Review status: criteria provided, single submitter. Criteria: Invitae Variant Classification Sherloc (09022015). Collection method: clinical testing. Allele origin: germline.
Comment: This variant has been observed in individual(s) with ornithine transcarbamylase deficiency (PMID: 9143919). ClinVar contains an entry for this variant (Variation ID: 97129). This variant is not present in population databases (ExAC no frequency). This sequence change replaces leucine with proline at codon 63 of the OTC protein (p.Leu63Pro). The leucine residue is highly conserved and there is a moderate physicochemical difference between leucine and proline. Advanced modeling of protein sequence and biophysical properties (such as structural, functional, and spatial information, amino acid conservation, physicochemical variation, residue mobility, and thermodynamic stability) performed at Invitae indicates that this missense variant is expected to disrupt OTC protein function. In summary, the available evidence is currently insufficient to determine the role of this variant in disease. Therefore, it has been classified as a Variant of Uncertain Significance.

GenMed Metabolism Lab
Classification: Pathogenic. Review status: no assertion criteria provided. Collection method: not provided. Allele origin: unknown. Not counted in ClinVar's aggregate classification.
ClinVar note: Converted during submission from pathogenic to Pathogenic.

Literature cited by the submitters: PubMed 9143919 (cited by Labcorp Genetics (formerly Invitae), Labcorp).